The following is an entry in ClinVar:

ClinVar aggregate classification (germline): Likely benign. Review status: criteria provided, multiple submitters, no conflicts (2 of 4 stars). 3 submissions from 3 submitters: Likely benign (3). Last evaluated 2023-10-12.

Conditions:
Long QT syndrome (LQTS). Identifiers: MedGen C0023976, MeSH D008133, MONDO:0002442. Disease mechanism: loss of function. Inheritance: Various modes of inheritance.

Allele frequency attached by ClinVar (database versions not stated): gnomAD 0.00001; gnomAD exomes 0.00001 and 0.00005; TOPMed 0.00002; ExAC 0.00004.
gnomAD v4.1: 22 of 1,613,066 alleles (0.0014%); highest among the groups gnomAD compares: Admixed American, 0.022%; no homozygotes.

Submissions (3):

Women's Health and Genetics/Laboratory Corporation of America, LabCorp
Classification: Likely benign. Last evaluated: 2023-10-12. Review status: criteria provided, single submitter. Criteria: LabCorp Variant Classification Summary - May 2015. Collection method: clinical testing. Allele origin: germline.
Comment: Variant summary: ANK2 c.4372-8G>A alters a non-conserved nucleotide located close to a canonical splice site and therefore could affect mRNA splicing, leading to a significantly altered protein sequence. Consensus agreement among computation tools predict no significant impact on normal splicing. However, these predictions have yet to be confirmed by functional studies. The variant allele was found at a frequency of 4.8e-05 in 250948 control chromosomes. The observed variant frequency is approximately 7 fold of the estimated maximal expected allele frequency for a pathogenic variant in ANK2 causing Long QT Syndrome phenotype (6.7e-06), strongly suggesting that the variant is benign. To our knowledge, no occurrence of c.4372-8G>A in individuals affected with Long QT Syndrome and no experimental evidence demonstrating its impact on protein function have been reported. Two submitters have cited clinical-significance assessments for this variant to ClinVar after 2014. All submitters classified the variant as likely benign. Based on the evidence outlined above, the variant was classified as likely benign.

Labcorp Genetics (formerly Invitae), Labcorp
Classification: Likely benign for Long QT syndrome. Last evaluated: 2023-07-06. Review status: criteria provided, single submitter. Criteria: Invitae Variant Classification Sherloc (09022015). Collection method: clinical testing. Allele origin: germline.

GeneDx
Classification: Likely benign. Last evaluated: 2017-09-22. Review status: criteria provided, single submitter. Criteria: GeneDx Variant Classification (06012015). Collection method: clinical testing. Allele origin: germline. Affected: yes.
Comment: This variant is considered likely benign or benign based on one or more of the following criteria: it is a conservative change, it occurs at a poorly conserved position in the protein, it is predicted to be benign by multiple in silico algorithms, and/or has population frequency not consistent with disease.

NM_001148.6(ANK2):c.4372-8G>A

Gene: ANK2 (ankyrin 2; plus strand). Cytogenetic location: 4q26.
Variant type: single nucleotide variant.
Coding change: c.4372-8G>A on transcript NM_001148.6 (MANE Select); 8 bases into the intron before coding-DNA position 4372, G replaced by A.
Molecular consequence: intron variant.
Genome position (GRCh38, 1-based): chr4:113,348,268, G>A. VCF-style: chr4-113348268-G-A. GRCh37 (hg19) VCF-style: chr4-114269424-G-A.
Other names: c.4357-8G>A (NM_001386186.2, NM_001386148.2); c.4159-8G>A (NM_001354269.3); c.4237-8G>A (NM_001386187.2); c.4231-1960G>A (NM_001386147.1); c.4216-8G>A (NM_001386160.1); c.4321-8G>A (NM_001354254.2); c.4342-8G>A (NM_001354239.2, NM_001354252.2); c.4243-8G>A (NM_001354272.2); and 33 more.
Identifiers: ClinVar variation 512324 (VCV000512324.9), dbSNP rs771323413, ClinGen allele CA3051074.